The following is an entry in ClinVar:

NM_001271.4(CHD2):c.3423G>A (p.Lys1141=)

Gene: CHD2 (chromodomain helicase DNA binding protein 2; plus strand). Cytogenetic location: 15q26.1.
Variant type: single nucleotide variant.
Coding change: c.3423G>A on transcript NM_001271.4 (MANE Select); coding-DNA position 3423, G replaced by A.
Protein change: p.Lys1141=; no amino-acid change (lysine 1141 retained).
Molecular consequence: synonymous variant.
Genome position (GRCh38, 1-based): chr15:92,991,485, G>A. VCF-style: chr15-92991485-G-A. GRCh37 (hg19) VCF-style: chr15-93534715-G-A.
Identifiers: ClinVar variation 1031951 (VCV001031951.1), dbSNP rs2054119126, ClinGen allele CA492500136.

ClinVar aggregate classification (germline): Uncertain significance (1 of 4 stars; one submission).

Conditions:
Developmental and epileptic encephalopathy 94 (DEE94). Also called: Epileptic encephalopathy, childhood-onset; CHD2-Related Neurodevelopmental Disorders. Identifiers: Orphanet 1942, Orphanet 2382, MedGen C3809278, MONDO:0014150, OMIM 615369.

Submission:

Baylor Genetics
Classification: Uncertain significance for Developmental and epileptic encephalopathy 94. Last evaluated: 2018-07-19. Review status: criteria provided, single submitter. Criteria: ACMG Guidelines, 2015. Collection method: clinical testing. Allele origin: de novo. Affected: yes.
Comment: This variant was determined to be of uncertain significance according to ACMG Guidelines, 2015 [PMID:25741868].